The following is an entry in ClinVar:

ClinVar aggregate classification (germline): Pathogenic/Likely pathogenic. Review status: criteria provided, multiple submitters, no conflicts (2 of 4 stars). 2 submissions from 2 submitters: Pathogenic (1); Likely pathogenic (1). Last evaluated 2025-10-03.

Conditions:
Arrhythmogenic right ventricular dysplasia 9 (ARVD9). Also called: Arrhythmogenic Right Ventricular Dysplasia/Cardiomyopathy 9; ARRHYTHMOGENIC RIGHT VENTRICULAR DYSPLASIA, FAMILIAL, 9. Identifiers: MedGen C1836906, MONDO:0012180, OMIM 609040.
Arrhythmogenic right ventricular cardiomyopathy (ARVD). Also called: Arrhythmogenic right ventricular dysplasia; Cardiomyopathy, ARVC; Arrhythmogenic cardiomyopathy; Arrhythmogenic Right Ventricular Cardiomyopathy (ARVC). Identifiers: Orphanet 247, MedGen C0349788, MeSH D019571, MONDO:0016587. Disease mechanism: loss of function. Inheritance: Various modes of inheritance.

Allele frequency attached by ClinVar (database versions not stated): TOPMed below 0.00001; gnomAD 0.00001.
gnomAD v4.1: 2 of 1,613,036 alleles (0.00012%); highest among the groups gnomAD compares: African/African-American, 0.0013%; no homozygotes.

Submissions (2):

Labcorp Genetics (formerly Invitae), Labcorp
Classification: Pathogenic for Arrhythmogenic right ventricular dysplasia 9. Last evaluated: 2025-10-03. Review status: criteria provided, single submitter. Criteria: Invitae Variant Classification Sherloc (09022015). Collection method: clinical testing. Allele origin: germline.
Comment: This sequence change creates a premature translational stop signal (p.Gln129*) in the PKP2 gene. It is expected to result in an absent or disrupted protein product. Loss-of-function variants in PKP2 are known to be pathogenic (PMID: 15489853, 17041889, 23911551). This variant is not present in population databases (gnomAD no frequency). This variant has not been reported in the literature in individuals affected with PKP2-related conditions. ClinVar contains an entry for this variant (Variation ID: 3076071). For these reasons, this variant has been classified as Pathogenic.

Laboratory for Molecular Medicine, Mass General Brigham Personalized Medicine
Classification: Likely pathogenic for Arrhythmogenic right ventricular cardiomyopathy. Last evaluated: 2018-07-05. Review status: criteria provided, single submitter. Criteria: ACMG Guidelines, 2015. Collection method: clinical testing. Allele origin: germline. Inheritance: Autosomal dominant inheritance.
Comment: The p.Gln129X variant in PKP2 has not been previously reported in individuals with ARVC and was absent from large population studies. This nonsense variant leads to a premature termination codon at position 129, which is predicted to lead to a truncated or absent protein. Heterozygous loss of function of the PKP2 gene is an established disease mechanism in ARVC. In summary, although additional studies are required to fully establish its clinical significance, the p.Gln129X variant is likely pathogenic. ACMG/AMP Criteria applied: PVS1, PM2.

Literature cited by the submitters: PubMed 15489853 (cited by Labcorp Genetics (formerly Invitae), Labcorp); PubMed 17041889 (cited by Labcorp Genetics (formerly Invitae), Labcorp); PubMed 23911551 (cited by Labcorp Genetics (formerly Invitae), Labcorp).

NM_001005242.3(PKP2):c.385C>T (p.Gln129Ter)

Gene: PKP2 (plakophilin 2; minus strand). Cytogenetic location: 12p11.21.
Variant type: single nucleotide variant.
Coding change: c.385C>T on transcript NM_001005242.3 (MANE Select); coding-DNA position 385, C replaced by T.
Protein change: p.Gln129Ter; replaces glutamine 129 with a stop codon.
Molecular consequence: nonsense.
Genome position (GRCh38, 1-based): chr12:32,878,495, G>A on the plus strand (C>T on the coding strand, the complement: PKP2 is on the minus strand). VCF-style: chr12-32878495-G-A. GRCh37 (hg19) VCF-style: chr12-33031429-G-A.
Other names: c.385C>T, p.Gln129Ter (NM_001407155.1, NM_001407156.1, NM_001407157.1 and 2 more transcripts); c.58C>T, p.Gln20Ter (NM_001407158.1, NM_001407159.1, NM_001407160.1 and 1 more transcripts); short protein forms Q129*, Q20*.
Identifiers: ClinVar variation 3076071 (VCV003076071.3), dbSNP rs1485712667, ClinGen allele CA384365420.